The following is an entry in ClinVar:

NM_004211.5(SLC6A5):c.1945C>T (p.Leu649Phe)

Gene: SLC6A5 (solute carrier family 6 member 5; plus strand). Cytogenetic location: 11p15.1.
Variant type: single nucleotide variant.
Coding change: c.1945C>T on transcript NM_004211.5 (MANE Select); coding-DNA position 1945, C replaced by T.
Protein change: p.Leu649Phe; replaces leucine 649 with phenylalanine.
Molecular consequence: missense variant.
Genome position (GRCh38, 1-based): chr11:20,638,534, C>T. VCF-style: chr11-20638534-C-T. GRCh37 (hg19) VCF-style: chr11-20660080-C-T.
Other names: c.1243C>T, p.Leu415Phe (NM_001318369.2); short protein forms L649F, L415F.
Identifiers: ClinVar variation 1474721 (VCV001474721.8), dbSNP rs776547802, ClinGen allele CA379918722.

ClinVar aggregate classification (germline): Uncertain significance (1 of 4 stars; one submission).

Conditions:
Hyperekplexia 3 (HKPX3). Also called: HYPEREKPLEXIA 3, AUTOSOMAL RECESSIVE; HYPEREKPLEXIA 3, AUTOSOMAL DOMINANT. Identifiers: Orphanet 3197, MedGen C3553288, MONDO:0013827, OMIM 614618.

Submission:

Labcorp Genetics (formerly Invitae), Labcorp
Classification: Uncertain significance for Hyperekplexia 3. Last evaluated: 2022-09-06. Review status: criteria provided, single submitter. Criteria: Invitae Variant Classification Sherloc (09022015). Collection method: clinical testing. Allele origin: germline.
Comment: This variant is not present in population databases (gnomAD no frequency). This sequence change replaces leucine, which is neutral and non-polar, with phenylalanine, which is neutral and non-polar, at codon 649 of the SLC6A5 protein (p.Leu649Phe). This variant has not been reported in the literature in individuals affected with SLC6A5-related conditions. In summary, the available evidence is currently insufficient to determine the role of this variant in disease. Therefore, it has been classified as a Variant of Uncertain Significance. Algorithms developed to predict the effect of missense changes on protein structure and function are either unavailable or do not agree on the potential impact of this missense change (SIFT: "Deleterious"; PolyPhen-2: "Possibly Damaging"; Align-GVGD: "Class C0"). ClinVar contains an entry for this variant (Variation ID: 1474721).